The following is an entry in ClinVar:

NM_000052.7(ATP7A):c.4449C>G (p.Asp1483Glu)

Gene: ATP7A (ATPase copper transporting alpha; plus strand). Cytogenetic location: Xq21.1.
Variant type: single nucleotide variant.
Coding change: c.4449C>G on transcript NM_000052.7 (MANE Select); coding-DNA position 4449, C replaced by G.
Protein change: p.Asp1483Glu; replaces aspartic acid 1483 with glutamic acid.
Molecular consequence: missense variant. On other transcripts: non-coding transcript variant (1).
Genome position (GRCh38, 1-based): chrX:78,046,516, C>G. VCF-style: chrX-78046516-C-G. GRCh37 (hg19) VCF-style: chrX-77302013-C-G.
Other names: c.4215C>G, p.Asp1405Glu (NM_001282224.2); short protein forms D1405E, D1483E.
Identifiers: ClinVar variation 3364122 (VCV003364122.1).

ClinVar aggregate classification (germline): Uncertain significance (1 of 4 stars; one submission).

Submission:

GeneDx
Classification: Uncertain significance. Last evaluated: 2023-11-10. Review status: criteria provided, single submitter. Criteria: GeneDx Variant Classification Process June 2021. Collection method: clinical testing. Allele origin: germline. Affected: yes.
Comment: Has not been previously published as pathogenic or benign to our knowledge; Not observed at significant frequency in large population cohorts (gnomAD); In silico analysis supports that this missense variant does not alter protein structure/function